The following is an entry in ClinVar:

NM_002180.3(IGHMBP2):c.2646C>A (p.Asp882Glu)

Gene: IGHMBP2 (immunoglobulin mu DNA binding protein 2; plus strand). Cytogenetic location: 11q13.3.
Variant type: single nucleotide variant.
Coding change: c.2646C>A on transcript NM_002180.3 (MANE Select); coding-DNA position 2646, C replaced by A.
Protein change: p.Asp882Glu; replaces aspartic acid 882 with glutamic acid.
Molecular consequence: missense variant.
Genome position (GRCh38, 1-based): chr11:68,938,216, C>A. VCF-style: chr11-68938216-C-A. GRCh37 (hg19) VCF-style: chr11-68705684-C-A.
Other names: short protein forms D882E.
Identifiers: ClinVar variation 305858 (VCV000305858.20), dbSNP rs372629862, ClinGen allele CA6153975.

ClinVar aggregate classification (germline): Uncertain significance. Review status: criteria provided, multiple submitters, no conflicts (2 of 4 stars). 6 submissions from 6 submitters: Uncertain significance (6). Last evaluated 2026-09-09.

Conditions:
Inborn genetic diseases. Identifiers: MedGen C0950123, MeSH D030342.
Charcot-Marie-Tooth disease axonal type 2S. Also called: CHARCOT-MARIE-TOOTH DISEASE, AXONAL, AUTOSOMAL RECESSIVE, TYPE 2S; CHARCOT-MARIE-TOOTH NEUROPATHY, TYPE 2S. Identifiers: Orphanet 443073, MedGen C4015349, MONDO:0014511, OMIM 616155.
Autosomal recessive distal spinal muscular atrophy 1. Also called: NEURONOPATHY, DISTAL HEREDITARY MOTOR, HARDING TYPE VI; NEUROPATHY, DISTAL HEREDITARY MOTOR, AUTOSOMAL RECESSIVE 1; Spinal muscular atrophy with respiratory distress 1; NEURONOPATHY, SEVERE INFANTILE AXONAL, WITH RESPIRATORY FAILURE; SEVERE INFANTILE AXONAL NEUROPATHY WITH RESPIRATORY FAILURE; SPINAL MUSCULAR ATROPHY, DIAPHRAGMATIC. Identifiers: Orphanet 98920, MedGen C1858517, MONDO:0011436, OMIM 604320.
IGHMBP2-related disorder. Also called: IGHMBP2-related disorders; IGHMBP2-related condition.

Allele frequency attached by ClinVar (database versions not stated): gnomAD 0.00003 and 0.00004; gnomAD exomes 0.00006 and 0.00009; TOPMed 0.00006; ExAC 0.00007; ESP Exome Variant Server 0.00008.
gnomAD v4.1: 128 of 1,613,948 alleles (0.0079%); highest among the groups gnomAD compares: Non-Finnish European, 0.01%; 1 homozygote.

Submissions (6):

PreventionGenetics, part of Exact Sciences
Classification: Uncertain significance for IGHMBP2-related condition. Last evaluated: 2026-09-09. Review status: criteria provided, single submitter. Criteria: ACMG Guidelines, 2015. Collection method: clinical testing. Allele origin: germline.
Comment: The IGHMBP2 c.2646C>A variant is predicted to result in the amino acid substitution p.Asp882Glu. To our knowledge, this variant has not been reported in the literature. This variant is reported in 0.011% of alleles in individuals of European (Non-Finnish) descent in gnomAD. At this time, the clinical significance of this variant is uncertain due to the absence of conclusive functional and genetic evidence.

Ambry Genetics
Classification: Uncertain significance for Inborn genetic diseases. Last evaluated: 2025-05-30. Review status: criteria provided, single submitter. Criteria: Ambry Variant Classification Scheme 2023. Collection method: clinical testing. Allele origin: germline.

GeneDx
Classification: Uncertain significance. Last evaluated: 2025-03-19. Review status: criteria provided, single submitter. Criteria: GeneDx Variant Classification Process June 2021. Collection method: clinical testing. Allele origin: germline. Affected: yes.
Comment: Not observed at significant frequency in large population cohorts (gnomAD); In silico analysis indicates that this missense variant does not alter protein structure/function; Has not been previously published as pathogenic or benign to our knowledge

Labcorp Genetics (formerly Invitae), Labcorp
Classification: Uncertain significance for Autosomal recessive distal spinal muscular atrophy 1; Charcot-Marie-Tooth disease axonal type 2S. Last evaluated: 2022-10-18. Review status: criteria provided, single submitter. Criteria: Invitae Variant Classification Sherloc (09022015). Collection method: clinical testing. Allele origin: germline.
Comment: This sequence change replaces aspartic acid, which is acidic and polar, with glutamic acid, which is acidic and polar, at codon 882 of the IGHMBP2 protein (p.Asp882Glu). This variant is present in population databases (rs372629862, gnomAD 0.01%). This variant has not been reported in the literature in individuals affected with IGHMBP2-related conditions. ClinVar contains an entry for this variant (Variation ID: 305858). Advanced modeling of protein sequence and biophysical properties (such as structural, functional, and spatial information, amino acid conservation, physicochemical variation, residue mobility, and thermodynamic stability) performed at Invitae indicates that this missense variant is not expected to disrupt IGHMBP2 protein function. In summary, the available evidence is currently insufficient to determine the role of this variant in disease. Therefore, it has been classified as a Variant of Uncertain Significance.

Revvity Omics, Revvity
Classification: Uncertain significance. Last evaluated: 2019-09-19. Review status: criteria provided, single submitter. Criteria: ACMG Guidelines, 2015. Collection method: clinical testing. Allele origin: germline.

Illumina Laboratory Services, Illumina
Classification: Uncertain significance for Autosomal recessive distal spinal muscular atrophy 1. Last evaluated: 2018-01-13. Review status: criteria provided, single submitter. Criteria: ICSL Variant Classification Criteria 13 December 2019. Collection method: clinical testing. Allele origin: germline.